The following is an entry in ClinVar:

ClinVar aggregate classification (germline): Uncertain significance (1 of 4 stars; one submission).

Conditions:
Hereditary breast ovarian cancer syndrome. Also called: Hereditary breast and ovarian cancer syndrome; Hereditary breast and ovarian cancer syndrome (HBOC); BRCA1- and BRCA2-Associated Hereditary Breast and Ovarian Cancer; Hereditary breast and ovarian cancer; Breast and ovarian cancer; Hereditary breast and/or ovarian cancer syndrome. Identifiers: Orphanet 145, MedGen C0677776, MeSH D061325, MONDO:0003582. Disease mechanism: loss of function.

Submission:

Labcorp Genetics (formerly Invitae), Labcorp
Classification: Uncertain significance for Hereditary breast ovarian cancer syndrome. Last evaluated: 2024-05-07. Review status: criteria provided, single submitter. Criteria: Invitae Variant Classification Sherloc (09022015). Collection method: clinical testing. Allele origin: germline.
Comment: This sequence change replaces aspartic acid, which is acidic and polar, with glutamic acid, which is acidic and polar, at codon 2733 of the BRCA2 protein (p.Asp2733Glu). This variant is not present in population databases (gnomAD no frequency). This variant has not been reported in the literature in individuals affected with BRCA2-related conditions. Advanced modeling performed at Invitae incorporating data from internal and/or published experimental studies (PMID: 33609447) indicates that this missense variant is not expected to disrupt BRCA2 function with a negative predictive value of 95%. In summary, the available evidence is currently insufficient to determine the role of this variant in disease. Therefore, it has been classified as a Variant of Uncertain Significance.

Literature cited by the submitters: PubMed 33609447.

NM_000059.4(BRCA2):c.8199T>G (p.Asp2733Glu)

Gene: BRCA2 (BRCA2 DNA repair associated; plus strand). Cytogenetic location: 13q13.1.
Variant type: single nucleotide variant.
Coding change: c.8199T>G on transcript NM_000059.4 (MANE Select); coding-DNA position 8199, T replaced by G.
Protein change: p.Asp2733Glu; replaces aspartic acid 2733 with glutamic acid.
Molecular consequence: missense variant. On other transcripts: non-coding transcript variant (1).
Genome position (GRCh38, 1-based): chr13:32,363,401, T>G. VCF-style: chr13-32363401-T-G. GRCh37 (hg19) VCF-style: chr13-32937538-T-G.
Other names: c.8103T>G, p.Asp2701Glu (NM_001406719.1); c.8199T>G, p.Asp2733Glu (NM_001406720.1, NM_001432077.1); c.3267T>G, p.Asp1089Glu (NM_001406721.1); c.1782T>G, p.Asp594Glu (NM_001406722.1); short protein forms D2701E, D1089E, D2733E, D594E.
Identifiers: ClinVar variation 3633428 (VCV003633428.2).